The following is an entry in ClinVar:

NM_002103.5(GYS1):c.222G>A (p.Arg74=)

Gene: GYS1 (glycogen synthase 1; minus strand). Cytogenetic location: 19q13.33.
Variant type: single nucleotide variant.
Coding change: c.222G>A on transcript NM_002103.5 (MANE Select); coding-DNA position 222, G replaced by A.
Protein change: p.Arg74=; no amino-acid change (arginine 74 retained).
Molecular consequence: synonymous variant.
Genome position (GRCh38, 1-based): chr19:48,991,380, C>T on the plus strand (G>A on the coding strand, the complement: GYS1 is on the minus strand). VCF-style: chr19-48991380-C-T. GRCh37 (hg19) VCF-style: chr19-49494637-C-T.
Other names: c.222G>A, p.Arg74= (NM_001161587.2).
Identifiers: ClinVar variation 329830 (VCV000329830.10), dbSNP rs748174034, ClinGen allele CA9563415.

ClinVar aggregate classification (germline): Conflicting classifications of pathogenicity. Review status: criteria provided, conflicting classifications (1 of 4 stars). 4 submissions from 4 submitters: Uncertain significance (1); Likely benign (3). Last evaluated 2025-08-25.

Conditions:
Glycogen storage disease due to muscle and heart glycogen synthase deficiency. Also called: MUSCLE GLYCOGEN SYNTHASE DEFICIENCY; GSD 0b. Identifiers: Orphanet 137625, MedGen C1969054, MONDO:0012693, OMIM 611556.
GYS1-related disorder. Also called: GYS1-related condition.

Allele frequency attached by ClinVar (database versions not stated): ExAC 0.00002; gnomAD exomes 0.00002 and 0.00003; gnomAD 0.00003; TOPMed 0.00003.
gnomAD v4.1: 55 of 1,614,148 alleles (0.0034%); highest among the groups gnomAD compares: Middle Eastern, 0.33%; 1 homozygote.

Submissions (4):

Labcorp Genetics (formerly Invitae), Labcorp
Classification: Likely benign for Glycogen storage disease due to muscle and heart glycogen synthase deficiency. Last evaluated: 2025-08-25. Review status: criteria provided, single submitter. Criteria: Invitae Variant Classification Sherloc (09022015). Collection method: clinical testing. Allele origin: germline.

PreventionGenetics, part of Exact Sciences
Classification: Likely benign for GYS1-related condition. Last evaluated: 2025-07-24. Review status: criteria provided, single submitter. Criteria: ACMG Guidelines, 2015. Collection method: clinical testing. Allele origin: germline.
Comment: This variant is classified as likely benign based on ACMG/AMP sequence variant interpretation guidelines (Richards et al. 2015 PMID: 25741868, with internal and published modifications).

Illumina Laboratory Services, Illumina
Classification: Uncertain significance for Glycogen storage disease due to muscle and heart glycogen synthase deficiency. Last evaluated: 2018-01-13. Review status: criteria provided, single submitter. Criteria: ICSL Variant Classification Criteria 13 December 2019. Collection method: clinical testing. Allele origin: germline.

GeneDx
Classification: Likely benign. Last evaluated: 2017-09-29. Review status: criteria provided, single submitter. Criteria: GeneDx Variant Classification (06012015). Collection method: clinical testing. Allele origin: germline. Affected: yes.
Comment: This variant is considered likely benign or benign based on one or more of the following criteria: it is a conservative change, it occurs at a poorly conserved position in the protein, it is predicted to be benign by multiple in silico algorithms, and/or has population frequency not consistent with disease.